The following is an entry in ClinVar:

ClinVar aggregate classification (germline): Uncertain significance. Review status: criteria provided, multiple submitters, no conflicts (2 of 4 stars). 3 submissions from 3 submitters: Uncertain significance (3). Last evaluated 2023-11-22.

Conditions:
Cortical dysplasia-focal epilepsy syndrome (PTHSL1). Also called: Pitt-Hopkins-like syndrome 1. Identifiers: Orphanet 163681, Orphanet 221150, MedGen C2750246, MONDO:0012400, OMIM 610042.

Allele frequency attached by ClinVar (database versions not stated): gnomAD 0.00001; gnomAD exomes 0.00001 and 0.00004; ExAC 0.00002; TOPMed 0.00002.
gnomAD v4.1: 56 of 1,613,846 alleles (0.0035%); highest among the groups gnomAD compares: South Asian, 0.0044%; no homozygotes.

Submissions (3):

Blueprint Genetics
Classification: Uncertain significance. Last evaluated: 2023-11-22. Review status: criteria provided, single submitter. Criteria: ACMG Guidelines, 2015. Collection method: clinical testing. Allele origin: germline.

Labcorp Genetics (formerly Invitae), Labcorp
Classification: Uncertain significance for Cortical dysplasia-focal epilepsy syndrome. Last evaluated: 2023-05-22. Review status: criteria provided, single submitter. Criteria: Invitae Variant Classification Sherloc (09022015). Collection method: clinical testing. Allele origin: germline.
Comment: An algorithm developed to predict the effect of missense changes on protein structure and function (PolyPhen-2) suggests that this variant is likely to be disruptive. ClinVar contains an entry for this variant (Variation ID: 650405). This missense change has been observed in individual(s) with autism spectrum disorder (PMID: 18179895). This variant is present in population databases (rs774709566, gnomAD 0.007%). This sequence change replaces arginine, which is basic and polar, with histidine, which is basic and polar, at codon 1119 of the CNTNAP2 protein (p.Arg1119His). Experimental studies have shown that this missense change affects CNTNAP2 function (PMID: 22872700, 29788201). In summary, the available evidence is currently insufficient to determine the role of this variant in disease. Therefore, it has been classified as a Variant of Uncertain Significance.

GeneDx
Classification: Uncertain significance. Last evaluated: 2021-01-27. Review status: criteria provided, single submitter. Criteria: GeneDx Variant Classification Process June 2021. Collection method: clinical testing. Allele origin: germline. Affected: yes.
Comment: Functional studies suggest this variant affects cellular trafficking of the CNTNAP2 protein (Falivelli et al., 2012) and may affect the network and connectivity of cortical neurons (Canali et al., 2018); In silico analysis supports that this missense variant has a deleterious effect on protein structure/function; Not observed at a significant frequency in large population cohorts (Lek et al., 2016); This variant is associated with the following publications: (PMID: 30028556, 30450007, 27621318, 29788201, 23714751, 22872700, 22365836, 18179895)

Literature cited by the submitters: PubMed 18179895 (cited by Labcorp Genetics (formerly Invitae), Labcorp); PubMed 22872700 (cited by Labcorp Genetics (formerly Invitae), Labcorp); PubMed 29788201 (cited by Labcorp Genetics (formerly Invitae), Labcorp).

NM_014141.6(CNTNAP2):c.3356G>A (p.Arg1119His)

Gene: CNTNAP2 (contactin associated protein 2; plus strand). Cytogenetic location: 7q36.1.
Variant type: single nucleotide variant.
Coding change: c.3356G>A on transcript NM_014141.6 (MANE Select); coding-DNA position 3356, G replaced by A.
Protein change: p.Arg1119His; replaces arginine 1119 with histidine.
Molecular consequence: missense variant.
Genome position (GRCh38, 1-based): chr7:148,229,754, G>A. VCF-style: chr7-148229754-G-A. GRCh37 (hg19) VCF-style: chr7-147926846-G-A.
Other names: short protein forms R1119H.
Identifiers: ClinVar variation 650405 (VCV000650405.14), dbSNP rs774709566, ClinGen allele CA4546620.
Genomic context (GRCh38, chr7:148,229,754, plus strand): 5'-ATATTGACGTAGACCACAGGAACATGGCCAATGGACAGCCCCACAGTGTCAACATCACCC[G>A]CCACGAGAAGACCATCTTTCTCAAGGTATACATACATGTACATATAAATTACATATAATA-3'
Protein context (NP_054860.1, residues 1109-1129): NGQPHSVNIT[Arg1119His]HEKTIFLKLD